The following is an entry in ClinVar:

NM_194248.3(OTOF):c.3951_3965dup (p.Pro1321_Asp1322insGluGluGluGluPro)

Gene: OTOF (otoferlin; minus strand). Cytogenetic location: 2p23.3.
Variant type: Duplication.
Coding change: c.3951_3965dup on transcript NM_194248.3 (MANE Select); coding-DNA positions 3951 to 3965, 15 bases duplicated (GGAGGAGGAGCCAGA).
Protein change: p.Pro1321_Asp1322insGluGluGluGluPro.
Molecular consequence: inframe insertion.
Genome position (GRCh38, 1-based): chr2:26,470,651-26,470,665, TCTGGCTCCTCCTCC duplicated on the plus strand (GGAGGAGGAGCCAGA on the coding strand, the reverse complement: OTOF is on the minus strand); duplicating any 15 consecutive bases within chr2:26,470,651-26,470,677 gives the same sequence; the c. name uses the placement nearest the transcript's 3' end. VCF-style (leftmost placement, unchanged base first): chr2-26470650-G-GTCTGGCTCCTCCTCC. GRCh37 (hg19) VCF-style: chr2-26693518-G-GTCTGGCTCCTCCTCC.
Other names: c.3951_3965dup, p.Pro1321_Asp1322insGluGluGluGluPro (NM_001287489.2); c.1650_1664dup, p.Pro554_Asp555insGluGluGluGluPro (NM_004802.4, NM_194323.3); c.1881_1895dup, p.Pro631_Asp632insGluGluGluGluPro (NM_194322.3).
Identifiers: ClinVar variation 1800712 (VCV001800712.1), dbSNP rs1558476148, ClinGen allele CA531393904.
Genomic context (GRCh38, chr2:26,470,650, plus strand): 5'-CACCTCCTTCATGGTGTCAATGGAGGCAAAGTACTTGGACCACCAGTCCAGCATGCTCTC[G>GTCTGGCTCCTCCTCC]TCTGGCTCCTCCTCCTCTGGCTCCTCCGCAGTGCCCTTCTTCTTCTTCTTCTTCTCCTTC-3'

ClinVar aggregate classification (germline): Uncertain significance (1 of 4 stars; one submission).

Submission:

GeneDx
Classification: Uncertain significance. Last evaluated: 2022-05-17. Review status: criteria provided, single submitter. Criteria: GeneDx Variant Classification Process June 2021. Collection method: clinical testing. Allele origin: germline. Affected: yes.
Comment: Not observed at significant frequency in large population cohorts (gnomAD); In-frame duplication of 5 amino acids in a non-repeat region; In silico analysis supports that this variant does not alter protein structure/function; Has not been previously published as pathogenic or benign to our knowledge